The following is an entry in ClinVar:

NM_001267550.2(TTN):c.65062G>A (p.Gly21688Arg)

Genes: TTN (titin; minus strand), TTN-AS1 (TTN antisense RNA 1; plus strand). Cytogenetic location: 2q31.2.
Variant type: single nucleotide variant.
Coding change: c.65062G>A on transcript NM_001267550.2 (MANE Select); coding-DNA position 65062, G replaced by A.
Protein change: p.Gly21688Arg; replaces glycine 21688 with arginine.
Molecular consequence: missense variant.
Genome position (GRCh38, 1-based): chr2:178,584,489, C>T on the plus strand (G>A on the coding strand, the complement: TTN is on the minus strand). VCF-style: chr2-178584489-C-T. GRCh37 (hg19) VCF-style: chr2-179449216-C-T.
Other names: c.60139G>A, p.Gly20047Arg (NM_001256850.1); c.37867G>A, p.Gly12623Arg (NM_003319.4); c.57358G>A, p.Gly19120Arg (NM_133378.4); c.38242G>A, p.Gly12748Arg (NM_133432.3); c.38443G>A, p.Gly12815Arg (NM_133437.4); short protein forms G12748R, G19120R, G12623R, G21688R, G12815R, G20047R.
Identifiers: ClinVar variation 1034245 (VCV001034245.1), dbSNP rs372661193, ClinGen allele CA1991787.
Genomic context (GRCh38, chr2:178,584,489, plus strand): 5'-TCACCCACAGCAAACTGTTTCTTTCCTTGCGTTCAATCAGATAACCAATAATGGGGCTCC[C>T]TCCATCACTATCTGGTCTGTCCCAAGCAACAAAAATACAGTCCTTGTTGACTTTGGTGAC-3'
Protein context (NP_001254479.2, residues 21678-21698): VAWDRPDSDG[Gly21688Arg]SPIIGYLIER

ClinVar aggregate classification (germline): Uncertain significance (1 of 4 stars; one submission).

Conditions:
Myopathy, myofibrillar, 9, with early respiratory failure (MFM9). Also called: Myopathy, distal, with early respiratory failure, autosomal dominant; EDSTROM MYOPATHY; MYOPATHY, PROXIMAL, WITH EARLY RESPIRATORY MUSCLE INVOLVEMENT; Hereditary myopathy with early respiratory failure. Identifiers: Orphanet 178464, Orphanet 34521, MedGen C1863599, MONDO:0011362, OMIM 603689.

Allele frequency attached by ClinVar (database versions not stated): TOPMed 0.00002.
gnomAD v4.1: 6 of 1,613,270 alleles (0.00037%); highest among the groups gnomAD compares: Admixed American, 0.01%; no homozygotes.

Submission:

Baylor Genetics
Classification: Uncertain significance for Myopathy, myofibrillar, 9, with early respiratory failure. Last evaluated: 2018-09-25. Review status: criteria provided, single submitter. Criteria: ACMG Guidelines, 2015. Collection method: clinical testing. Allele origin: paternal. Affected: yes.
Comment: This variant was determined to be of uncertain significance according to ACMG Guidelines, 2015 [PMID:25741868].